The following is an entry in ClinVar:

NM_001903.5(CTNNA1):c.608A>T (p.His203Leu)

Gene: CTNNA1 (catenin alpha 1; plus strand). Cytogenetic location: 5q31.2.
Variant type: single nucleotide variant.
Coding change: c.608A>T on transcript NM_001903.5 (MANE Select); coding-DNA position 608, A replaced by T.
Protein change: p.His203Leu; replaces histidine 203 with leucine.
Molecular consequence: missense variant.
Genome position (GRCh38, 1-based): chr5:138,824,549, A>T. VCF-style: chr5-138824549-A-T. GRCh37 (hg19) VCF-style: chr5-138160238-A-T.
Other names: c.608A>T, p.His203Leu (NM_001290307.3, NM_001323982.2, NM_001323983.1 and 3 more transcripts); c.299A>T, p.His100Leu (NM_001290309.3); c.239A>T, p.His80Leu (NM_001290310.3); short protein forms H100L, H80L, H203L.
Identifiers: ClinVar variation 1751492 (VCV001751492.2), dbSNP rs1760440516, ClinGen allele CA361129432.

ClinVar aggregate classification (germline): Uncertain significance (1 of 4 stars; one submission).

Conditions:
Hereditary cancer-predisposing syndrome. Also called: Hereditary Cancer Syndrome; Hereditary neoplastic syndrome; Neoplastic Syndromes, Hereditary; Tumor predisposition. Identifiers: Orphanet 140162, MedGen C0027672, MeSH D009386, MONDO:0015356.

Submission:

Ambry Genetics
Classification: Uncertain significance for Hereditary cancer-predisposing syndrome. Last evaluated: 2022-08-23. Review status: criteria provided, single submitter. Criteria: Ambry Variant Classification Scheme 2023. Collection method: clinical testing. Allele origin: germline.
Comment: The p.H203L variant (also known as c.608A>T), located in coding exon 5 of the CTNNA1 gene, results from an A to T substitution at nucleotide position 608. The histidine at codon 203 is replaced by leucine, an amino acid with similar properties. This amino acid position is conserved. In addition, this alteration is predicted to be tolerated by in silico analysis. Since supporting evidence is limited at this time, the clinical significance of this alteration remains unclear.